The following is an entry in ClinVar:

NM_000053.4(ATP7B):c.3270C>A (p.Tyr1090Ter)

Gene: ATP7B (ATPase copper transporting beta; minus strand). Cytogenetic location: 13q14.3.
Variant type: single nucleotide variant.
Coding change: c.3270C>A on transcript NM_000053.4 (MANE Select); coding-DNA position 3270, C replaced by A.
Protein change: p.Tyr1090Ter; replaces tyrosine 1090 with a stop codon.
Molecular consequence: nonsense.
Genome position (GRCh38, 1-based): chr13:51,942,528, G>T on the plus strand (C>A on the coding strand, the complement: ATP7B is on the minus strand). VCF-style: chr13-51942528-G-T. GRCh37 (hg19) VCF-style: chr13-52516664-G-T.
Other names: c.2649C>A, p.Tyr883Ter (NM_001005918.3); c.2937C>A, p.Tyr979Ter (NM_001243182.2); c.3036C>A, p.Tyr1012Ter (NM_001330578.2, NM_001406527.1, NM_001406528.1 and 1 more transcripts); c.3018C>A, p.Tyr1006Ter (NM_001330579.2, NM_001406531.1, NM_001406532.1); c.3270C>A, p.Tyr1090Ter (NM_001406511.1, NM_001406512.1, NM_001406526.1); c.3264C>A, p.Tyr1088Ter (NM_001406513.1); c.3237C>A, p.Tyr1079Ter (NM_001406514.1); c.3216C>A, p.Tyr1072Ter (NM_001406515.1, NM_001406516.1); and 19 more; short protein forms Y1006*, Y1010*, Y1012*, Y1025*, Y1029*, Y1031*, Y1042*, Y1045*.
Identifiers: ClinVar variation 5013894 (VCV005013894.1).

ClinVar aggregate classification (germline): Pathogenic (1 of 4 stars; one submission).

Conditions:
Wilson disease (WND). Also called: Wilson's disease. Identifiers: Orphanet 905, MedGen C0019202, MONDO:0010200, OMIM 277900. Disease mechanism: loss of function.

Submission:

Myriad Genetics, Inc.
Classification: Pathogenic for Wilson disease. Last evaluated: 2024-12-29. Review status: criteria provided, single submitter. Criteria: Myriad Autosomal Dominant, Autosomal Recessive and X-Linked Classification Criteria (2023). Collection method: clinical testing. Allele origin: unknown.
Comment: NM_000053.3(ATP7B):c.3270C>A(Y1090*) is expected to be pathogenic in the context of Wilson disease. This variant is predicted to lead to an abnormal or absent protein product due to the creation of a premature termination codon in ATP7B, a gene where loss-of-function variants are known to be pathogenic. Please note: this variant was assessed in the context of healthy population screening.